The following is an entry in ClinVar:

NM_030930.4(UNC93B1):c.1207G>C (p.Val403Leu)

Gene: UNC93B1 (unc-93B1 regulator of TLR signaling; minus strand). Cytogenetic location: 11q13.2.
Variant type: single nucleotide variant.
Coding change: c.1207G>C on transcript NM_030930.4 (MANE Select); coding-DNA position 1207, G replaced by C.
Protein change: p.Val403Leu; replaces valine 403 with leucine.
Molecular consequence: missense variant.
Genome position (GRCh38, 1-based): chr11:67,995,767, C>G on the plus strand (G>C on the coding strand, the complement: UNC93B1 is on the minus strand). VCF-style: chr11-67995767-C-G. GRCh37 (hg19) VCF-style: chr11-67763238-C-G.
Other names: short protein forms V403L.
Identifiers: ClinVar variation 1368344 (VCV001368344.3), dbSNP rs1374321962, ClinGen allele CA381570687.

ClinVar aggregate classification (germline): Uncertain significance (1 of 4 stars; one submission).

Conditions:
Encephalopathy, acute, infection-induced (herpes-specific), susceptibility to, 1. Also called: Herpes simplex encephalitis, susceptibility to, 1. Identifiers: Orphanet 1930, MedGen C2750180, MONDO:0024563, OMIM 610551.

Allele frequency attached by ClinVar (database versions not stated): gnomAD exomes 0.00001.
gnomAD v4.1: 18 of 1,548,192 alleles (0.0012%); highest among the groups gnomAD compares: Middle Eastern, 0.023%; no homozygotes.

Submission:

Labcorp Genetics (formerly Invitae), Labcorp
Classification: Uncertain significance for Encephalopathy, acute, infection-induced (herpes-specific), susceptibility to, 1. Last evaluated: 2022-06-20. Review status: criteria provided, single submitter. Criteria: Invitae Variant Classification Sherloc (09022015). Collection method: clinical testing. Allele origin: germline.
Comment: This sequence change replaces valine, which is neutral and non-polar, with leucine, which is neutral and non-polar, at codon 403 of the UNC93B1 protein (p.Val403Leu). The frequency data for this variant in the population databases is considered unreliable, as metrics indicate poor data quality at this position in the gnomAD database. This variant has not been reported in the literature in individuals affected with UNC93B1-related conditions. Experimental studies and prediction algorithms are not available or were not evaluated, and the functional significance of this variant is currently unknown. In summary, the available evidence is currently insufficient to determine the role of this variant in disease. Therefore, it has been classified as a Variant of Uncertain Significance.